The following is an entry in ClinVar:

NM_003560.4(PLA2G6):c.319del (p.Leu107fs)

Gene: PLA2G6 (phospholipase A2 group VI; minus strand). Cytogenetic location: 22q13.1.
Variant type: Deletion.
Coding change: c.319del on transcript NM_003560.4 (MANE Select); coding-DNA position 319, one base deleted (C; older notation c.319delC).
Protein change: p.Leu107fs; shifts the reading frame from leucine 107.
Molecular consequence: frameshift variant. On other transcripts: 5 prime UTR variant (3).
Genome position (GRCh38, 1-based): chr22:38,145,544, G deleted on the plus strand (C on the coding strand, the reverse complement: PLA2G6 is on the minus strand); the first of 2 consecutive G bases (chr22:38,145,544-38,145,545); deleting either gives the same sequence. VCF-style (leftmost placement, unchanged base first): chr22-38145543-AG-A. GRCh37 (hg19) VCF-style: chr22-38541550-AG-A.
Other names: NM_003560.4(PLA2G6):c.319del; p.Leu107fs; c.319del, p.Leu107fs (NM_001004426.3, NM_001199562.3, NM_001349864.2 and 2 more transcripts); c.-216del (NM_001349867.2, NM_001349869.2); c.-172del (NM_001349868.2); short protein forms L107fs.
Identifiers: ClinVar variation 984695 (VCV000984695.35), dbSNP rs776376695, ClinGen allele CA10231298.

ClinVar aggregate classification (germline): Pathogenic/Likely pathogenic. Review status: criteria provided, multiple submitters, no conflicts (2 of 4 stars). 6 submissions from 6 submitters: Pathogenic (4); Likely pathogenic (2). Last evaluated 2025-11-26.

Conditions:
Neurodegeneration with brain iron accumulation 2B. Also called: aNAD; atypical Neuroaxonal Dystrophy (aNAD); NEUROAXONAL DYSTROPHY, ATYPICAL; NEURODEGENERATION WITH BRAIN IRON ACCUMULATION, PLA2G6-RELATED. Identifiers: Orphanet 35069, MedGen C1857747, MONDO:0012444, OMIM 610217.
Infantile neuroaxonal dystrophy (NBIA2A). Also called: Infantile neuroaxonal dystrophy 1; SEITELBERGER DISEASE; NEURODEGENERATION WITH BRAIN IRON ACCUMULATION 2A. Identifiers: Orphanet 35069, MedGen C0270724, MONDO:0024457, OMIM 256600.
Autosomal recessive Parkinson disease 14. Also called: DYSTONIA-PARKINSONISM, ADULT-ONSET; PARKINSON DISEASE 14. Identifiers: Orphanet 199351, MedGen C2751842, MONDO:0013060, OMIM 612953.
PLA2G6-associated neurodegeneration (PLAN). Also called: phospholipase A2-associated neurodegeneration. Identifiers: Orphanet 329303, MedGen CN204472, MONDO:0017998.

Submissions (6):

Labcorp Genetics (formerly Invitae), Labcorp
Classification: Pathogenic for Infantile neuroaxonal dystrophy. Last evaluated: 2025-11-26. Review status: criteria provided, single submitter. Criteria: Invitae Variant Classification Sherloc (09022015). Collection method: clinical testing. Allele origin: germline.
Comment: This sequence change creates a premature translational stop signal (p.Leu107Cysfs*4) in the PLA2G6 gene. It is expected to result in an absent or disrupted protein product. Loss-of-function variants in PLA2G6 are known to be pathogenic (PMID: 16783378, 18570303, 18799783, 22213678). This variant is present in population databases (rs776376695, gnomAD 0.003%). This premature translational stop signal has been observed in individual(s) with PLA2G6-related conditions (PMID: 16783378, 20619503). ClinVar contains an entry for this variant (Variation ID: 984695). For these reasons, this variant has been classified as Pathogenic.

Fulgent Genetics
Classification: Likely pathogenic for Infantile neuroaxonal dystrophy; Neurodegeneration with brain iron accumulation 2B; Autosomal recessive Parkinson disease 14. Last evaluated: 2024-06-04. Review status: criteria provided, single submitter. Criteria: ACMG Guidelines, 2015. Collection method: clinical testing. Allele origin: germline.

CeGaT Center for Human Genetics Tuebingen
Classification: Pathogenic. Last evaluated: 2024-05-01. Review status: criteria provided, single submitter. Criteria: CeGaT Center For Human Genetics Tuebingen Variant Classification Criteria Version 2. Collection method: clinical testing. Allele origin: germline. Affected: yes. Observed: 3 variant alleles.
Comment: PLA2G6: PVS1, PM2, PM3

Broad Center for Mendelian Genomics, Broad Institute of MIT and Harvard
Classification: Pathogenic for PLA2G6-associated neurodegeneration. Last evaluated: 2023-01-24. Review status: criteria provided, single submitter. Criteria: ACMG Guidelines, 2015. Collection method: curation. Allele origin: germline. Inheritance: Autosomal recessive inheritance.
Comment: The p.Leu107fs variant in PLA2G6 has been reported in 1 individual, in the homozygous state, with PLA2G6-associated neurodegeneration (PMID: 28097321), and has been identified in 0.0009% (1/113112) of European (non-Finnish) chromosomes by the Genome Aggregation Database (gnomAD; dbSNP ID: rs776376695). Although this variant has been seen in the general population in a heterozygous state, its frequency is low enough to be consistent with a recessive carrier frequency. This variant has also been reported in ClinVar (Variation ID#: 984695) and has been interpreted as pathogenic by Institute of Human Genetics (University of Leipzig Medical Center). This variant is predicted to cause a frameshift, which alters the protein‚Äôs amino acid sequence beginning at position 107 and leads to a premature termination codon 4 amino acids downstream. This alteration is then predicted to lead to a truncated or absent protein. Loss of function of the PLA2G6 gene is an established disease mechanism in PLA2G6-associated neurodegeneration. In summary, this variant meets criteria to be classified as pathogenic for autosomal recessive PLA2G6-associated neurodegeneration. ACMG/AMP Criteria applied: PVS1, PM2_supporting, PM3_supporting (Richards 2015).

AiLife Diagnostics
Classification: Likely pathogenic. Last evaluated: 2022-02-25. Review status: criteria provided, single submitter. Criteria: ACMG Guidelines, 2015. Collection method: clinical testing. Allele origin: germline. Affected: yes. Observed: 1 variant allele.

Institute of Human Genetics, University of Leipzig Medical Center
Classification: Pathogenic for Neurodegeneration with brain iron accumulation 2B. Last evaluated: 2020-03-01. Review status: criteria provided, single submitter. Criteria: ACMG Guidelines, 2015. Collection method: clinical testing. Allele origin: biparental. Inheritance: Autosomal recessive inheritance. Affected: yes.
Comment: Review of the variants reported in Reuter et al., 2017, PMID: 28097321: PVS1,PM2,PM3_Supporting

Literature cited by the submitters: PubMed 16783378 (cited by Labcorp Genetics (formerly Invitae), Labcorp and AiLife Diagnostics); PubMed 18570303 (cited by Labcorp Genetics (formerly Invitae), Labcorp); PubMed 18799783 (cited by Labcorp Genetics (formerly Invitae), Labcorp); PubMed 22213678 (cited by Labcorp Genetics (formerly Invitae), Labcorp); PubMed 20619503 (cited by Labcorp Genetics (formerly Invitae), Labcorp and AiLife Diagnostics).